The following is an entry in ClinVar:

ClinVar aggregate classification (germline): Pathogenic (1 of 4 stars; one submission).

Conditions:
Spondyloepiphyseal dysplasia with congenital joint dislocations (SEDCJD). Also called: Chondrodysplasia with Congenital Joint Dislocations, CHST3-Related. Identifiers: Orphanet 263463, MedGen C1837657, MONDO:0007738, OMIM 143095.

Submission:

Labcorp Genetics (formerly Invitae), Labcorp
Classification: Pathogenic for Spondyloepiphyseal dysplasia with congenital joint dislocations. Last evaluated: 2022-01-15. Review status: criteria provided, single submitter. Criteria: Invitae Variant Classification Sherloc (09022015). Collection method: clinical testing. Allele origin: germline.
Comment: This variant has not been reported in the literature in individuals affected with CHST3-related conditions. This variant is not present in population databases (gnomAD no frequency). This sequence change creates a premature translational stop signal (p.Leu28*) in the CHST3 gene. It is expected to result in an absent or disrupted protein product. Loss-of-function variants in CHST3 are known to be pathogenic (PMID: 18513679, 20830804, 24300290). Algorithms developed to predict the effect of sequence changes on RNA splicing suggest that this variant may create or strengthen a splice site. For these reasons, this variant has been classified as Pathogenic.

Literature cited by the submitters: PubMed 18513679; PubMed 20830804; PubMed 24300290.

NM_004273.5(CHST3):c.83T>A (p.Leu28Ter)

Gene: CHST3 (carbohydrate sulfotransferase 3; plus strand). Cytogenetic location: 10q22.1.
Variant type: single nucleotide variant.
Coding change: c.83T>A on transcript NM_004273.5 (MANE Select); coding-DNA position 83, T replaced by A.
Protein change: p.Leu28Ter; replaces leucine 28 with a stop codon.
Molecular consequence: nonsense.
Genome position (GRCh38, 1-based): chr10:72,005,925, T>A. VCF-style: chr10-72005925-T-A. GRCh37 (hg19) VCF-style: chr10-73765683-T-A.
Other names: short protein forms L28*.
Identifiers: ClinVar variation 2083760 (VCV002083760.4), dbSNP rs2494763949, ClinGen allele CA377140764.